The following is an entry in ClinVar:

NM_005045.4(RELN):c.1330A>G (p.Thr444Ala)

Genes: RELN (reelin; minus strand), LOC126860131 (MED14-independent group 3 enhancer GRCh37_chr7:103301048-103302247; plus strand). Cytogenetic location: 7q22.1.
Variant type: single nucleotide variant.
Coding change: c.1330A>G on transcript NM_005045.4 (MANE Select); coding-DNA position 1330, A replaced by G.
Protein change: p.Thr444Ala; replaces threonine 444 with alanine.
Molecular consequence: missense variant.
Genome position (GRCh38, 1-based): chr7:103,661,487, T>C on the plus strand (A>G on the coding strand, the complement: RELN is on the minus strand). VCF-style: chr7-103661487-T-C. GRCh37 (hg19) VCF-style: chr7-103301934-T-C.
Other names: c.1330A>G, p.Thr444Ala (NM_173054.3); short protein forms T444A.
Identifiers: ClinVar variation 3748593 (VCV003748593.2).

ClinVar aggregate classification (germline): Uncertain significance (1 of 4 stars; one submission).

Conditions:
Norman-Roberts syndrome (LIS2). Also called: Lissencephaly 2 (Norman-Roberts type). Identifiers: Orphanet 89844, MedGen C0796089, MONDO:0009760, OMIM 257320.
Familial temporal lobe epilepsy 7. Identifiers: Orphanet 101046, MedGen C4225327, MONDO:0014639, OMIM 616436.

gnomAD v4.1: 1 of 1,613,730 alleles (0.000062%); highest among the groups gnomAD compares: Non-Finnish European, 0.000085%; no homozygotes.

Submission:

Labcorp Genetics (formerly Invitae), Labcorp
Classification: Uncertain significance for Familial temporal lobe epilepsy 7; Norman-Roberts syndrome. Last evaluated: 2025-11-27. Review status: criteria provided, single submitter. Criteria: Invitae Variant Classification Sherloc (09022015). Collection method: clinical testing. Allele origin: germline.
Comment: This sequence change replaces threonine, which is neutral and polar, with alanine, which is neutral and non-polar, at codon 444 of the RELN protein (p.Thr444Ala). This variant is not present in population databases (gnomAD no frequency). This variant has not been reported in the literature in individuals affected with RELN-related conditions. ClinVar contains an entry for this variant (Variation ID: 3748593). Invitae Evidence Modeling of protein sequence and biophysical properties (such as structural, functional, and spatial information, amino acid conservation, physicochemical variation, residue mobility, and thermodynamic stability) indicates that this missense variant is not expected to disrupt RELN protein function with a negative predictive value of 80%. In summary, the available evidence is currently insufficient to determine the role of this variant in disease. Therefore, it has been classified as a Variant of Uncertain Significance.